The following is an entry in ClinVar:

ClinVar aggregate classification (germline): Uncertain significance (1 of 4 stars; one submission).

Allele frequency attached by ClinVar (database versions not stated): gnomAD 0.00001; gnomAD exomes 0.00001.
gnomAD v4.1: 4 of 1,551,378 alleles (0.00026%); highest among the groups gnomAD compares: East Asian, 0.0024%; no homozygotes.

Submission:

Labcorp Genetics (formerly Invitae), Labcorp
Classification: Uncertain significance. Last evaluated: 2023-11-27. Review status: criteria provided, single submitter. Criteria: Invitae Variant Classification Sherloc (09022015). Collection method: clinical testing. Allele origin: germline.
Comment: This sequence change replaces isoleucine, which is neutral and non-polar, with threonine, which is neutral and polar, at codon 586 of the DTHD1 protein (p.Ile586Thr). This variant is not present in population databases (gnomAD no frequency). This variant has not been reported in the literature in individuals affected with DTHD1-related conditions. ClinVar contains an entry for this variant (Variation ID: 1919077). Algorithms developed to predict the effect of missense changes on protein structure and function output the following: SIFT: "Not Available"; PolyPhen-2: "Benign"; Align-GVGD: "Not Available". The threonine amino acid residue is found in multiple mammalian species, which suggests that this missense change does not adversely affect protein function. In summary, the available evidence is currently insufficient to determine the role of this variant in disease. Therefore, it has been classified as a Variant of Uncertain Significance.

NM_001170700.3(DTHD1):c.2627T>C (p.Ile876Thr)

Gene: DTHD1 (death domain containing 1; plus strand). Cytogenetic location: 4p14.
Variant type: single nucleotide variant.
Coding change: c.2627T>C on transcript NM_001170700.3 (MANE Select); coding-DNA position 2627, T replaced by C.
Protein change: p.Ile876Thr; replaces isoleucine 876 with threonine.
Molecular consequence: missense variant. On other transcripts: synonymous variant (1), non-coding transcript variant (2).
Genome position (GRCh38, 1-based): chr4:36,343,730, T>C. VCF-style: chr4-36343730-T-C. GRCh37 (hg19) VCF-style: chr4-36345352-T-C.
Other names: c.1757T>C, p.Ile586Thr (NM_001136536.5); c.1636T>C, p.Leu546= (NM_001378435.1); short protein forms I876T, I586T.
Identifiers: ClinVar variation 1919077 (VCV001919077.5), dbSNP rs1759453247, ClinGen allele CA356682507.